The following is an entry in ClinVar:

ClinVar aggregate classification (germline): Pathogenic/Likely pathogenic. Review status: criteria provided, multiple submitters, no conflicts (2 of 4 stars). 3 submissions from 3 submitters: Pathogenic (2); Likely pathogenic (1). Last evaluated 2024-09-01.

Conditions:
Hereditary cancer-predisposing syndrome. Also called: Neoplastic Syndromes, Hereditary; Tumor predisposition; Hereditary Cancer Syndrome; Hereditary neoplastic syndrome. Identifiers: Orphanet 140162, MedGen C0027672, MeSH D009386, MONDO:0015356.
Cardiovascular phenotype. Identifiers: MedGen CN230736.
LZTR1-related schwannomatosis. Also called: Schwannomatosis-2, susceptibility to; Schwannomatosis 2. Identifiers: Orphanet 93921, MedGen C3810283, MONDO:0014299, OMIM 615670.

Submissions (3):

Labcorp Genetics (formerly Invitae), Labcorp
Classification: Pathogenic. Last evaluated: 2024-09-01. Review status: criteria provided, single submitter. Criteria: Invitae Variant Classification Sherloc (09022015). Collection method: clinical testing. Allele origin: germline.
Comment: This sequence change creates a premature translational stop signal (p.Met614Ilefs*11) in the LZTR1 gene. It is expected to result in an absent or disrupted protein product. Loss-of-function variants in LZTR1 are known to be pathogenic (PMID: 24362817, 25335493, 25480913, 25795793, 29469822, 30368668, 30442762, 30442766, 30481304, 30859559). This variant is not present in population databases (gnomAD no frequency). This variant has not been reported in the literature in individuals affected with LZTR1-related conditions. ClinVar contains an entry for this variant (Variation ID: 1781183). For these reasons, this variant has been classified as Pathogenic.

Baylor Genetics
Classification: Likely pathogenic for LZTR1-related schwannomatosis. Last evaluated: 2022-11-05. Review status: criteria provided, single submitter. Criteria: ACMG Guidelines, 2015. Collection method: clinical testing. Allele origin: unknown.

Ambry Genetics
Classification: Pathogenic for Cardiovascular phenotype; Hereditary cancer-predisposing syndrome. Last evaluated: 2022-07-25. Review status: criteria provided, single submitter. Criteria: Ambry Variant Classification Scheme 2023. Collection method: clinical testing. Allele origin: germline.
Comment: The c.1842delG pathogenic mutation, located in coding exon 16 of the LZTR1 gene, results from a deletion of one nucleotide at nucleotide position 1842, causing a translational frameshift with a predicted alternate stop codon (p.M614Ifs*11). This alteration is expected to result in loss of function by premature protein truncation or nonsense-mediated mRNA decay. Loss-of-function variants in LZTR1 are related to an increased risk for schwannomas and autosomal recessive Noonan syndrome; however, such associations with autosomal dominant Noonan syndrome have not been observed (Piotrowski A et al. Nat Genet. 2014 Feb;46:182-7; Yamamoto GL et al. J Med Genet. 2015 Jun;52:413-21; Johnston JJ et al. Genet Med. 2018 10;20:1175-1185). Based on the supporting evidence, this variant is pathogenic for an increased risk of LZTR1-related schwannomatosis (SWN) and would be expected to cause autosomal recessive Noonan syndrome when present along with a second pathogenic or likely pathogenic variant on the other allele; however, the association of this alteration with autosomal dominant Noonan syndrome is unlikely.

Literature cited by the submitters: PubMed 24362817 (cited by Labcorp Genetics (formerly Invitae), Labcorp); PubMed 25335493 (cited by Labcorp Genetics (formerly Invitae), Labcorp); PubMed 25480913 (cited by Labcorp Genetics (formerly Invitae), Labcorp); PubMed 25795793 (cited by Labcorp Genetics (formerly Invitae), Labcorp); PubMed 29469822 (cited by Labcorp Genetics (formerly Invitae), Labcorp); PubMed 30368668 (cited by Labcorp Genetics (formerly Invitae), Labcorp); PubMed 30442762 (cited by Labcorp Genetics (formerly Invitae), Labcorp); PubMed 30442766 (cited by Labcorp Genetics (formerly Invitae), Labcorp); PubMed 30481304 (cited by Labcorp Genetics (formerly Invitae), Labcorp); PubMed 30859559 (cited by Labcorp Genetics (formerly Invitae), Labcorp).

NM_006767.4(LZTR1):c.1842del (p.Met614fs)

Gene: LZTR1 (leucine zipper like post translational regulator 1; plus strand). Cytogenetic location: 22q11.21.
Variant type: Deletion.
Coding change: c.1842del on transcript NM_006767.4 (MANE Select); coding-DNA position 1842, one base deleted (G; older notation c.1842delG).
Protein change: p.Met614fs; shifts the reading frame from methionine 614.
Molecular consequence: frameshift variant.
Genome position (GRCh38, 1-based): chr22:20,994,926, G deleted. VCF-style (leftmost placement, unchanged base first): chr22-20994925-TG-T. GRCh37 (hg19) VCF-style: chr22-21349214-TG-T.
Other names: short protein forms M614fs.
Identifiers: ClinVar variation 1781183 (VCV001781183.5), dbSNP rs2518622424, ClinGen allele CA2580099239.